The following is an entry in ClinVar:

NM_015559.3(SETBP1):c.1198G>A (p.Val400Ile)

Gene: SETBP1 (SET binding protein 1; plus strand). Cytogenetic location: 18q12.3.
Variant type: single nucleotide variant.
Coding change: c.1198G>A on transcript NM_015559.3 (MANE Select); coding-DNA position 1198, G replaced by A.
Protein change: p.Val400Ile; replaces valine 400 with isoleucine.
Molecular consequence: missense variant.
Genome position (GRCh38, 1-based): chr18:44,950,538, G>A. VCF-style: chr18-44950538-G-A. GRCh37 (hg19) VCF-style: chr18-42530503-G-A.
Other names: c.1198G>A, p.Val400Ile (LRG_1150t1); short protein forms V400I.
Identifiers: ClinVar variation 562032 (VCV000562032.9), dbSNP rs534184222, ClinGen allele CA8945572.

ClinVar aggregate classification (germline): Conflicting classifications of pathogenicity. Review status: criteria provided, conflicting classifications (1 of 4 stars). 3 submissions from 3 submitters: Uncertain significance (1); Benign (1); Likely benign (1). Last evaluated 2025-05-29.

Conditions:
Intellectual disability. Also called: Intellectual functioning disability; intellectual disabilities; Intellectual developmental disorder. Identifiers: MedGen C3714756, MeSH D008607, MONDO:0001071, HP:0001249.

Allele frequency attached by ClinVar (database versions not stated): gnomAD 0.00003; TOPMed 0.00003; ExAC 0.00004.
gnomAD v4.1: 66 of 1,613,942 alleles (0.0041%); highest among the groups gnomAD compares: Non-Finnish European, 0.0054%; no homozygotes.

Submissions (3):

Labcorp Genetics (formerly Invitae), Labcorp
Classification: Benign. Last evaluated: 2025-05-29. Review status: criteria provided, single submitter. Criteria: Invitae Variant Classification Sherloc (09022015). Collection method: clinical testing. Allele origin: germline.

GeneDx
Classification: Uncertain significance. Last evaluated: 2020-02-04. Review status: criteria provided, single submitter. Criteria: GeneDx Variant Classification Process June 2021. Collection method: clinical testing. Allele origin: germline. Affected: yes.
Comment: In silico analysis supports that this missense variant does not alter protein structure/function; Has not been previously published as pathogenic or benign to our knowledge

Centre de Biologie Pathologie Génétique, Centre Hospitalier Universitaire de Lille
Classification: Likely benign for Intellectual disability. Last evaluated: 2017-01-01. Review status: criteria provided, single submitter. Criteria: ACMG Guidelines, 2015. Collection method: clinical testing. Allele origin: maternal. Affected: no.